The following is an entry in ClinVar:

ClinVar aggregate classification (germline): Benign. Review status: criteria provided, multiple submitters, no conflicts (2 of 4 stars). 4 submissions from 4 submitters: Benign (4). Last evaluated 2026-02-04.

Conditions:
Autosomal dominant mitochondrial myopathy with exercise intolerance (IMMD). Also called: Myopathy, isolated mitochondrial, autosomal dominant. Identifiers: Orphanet 457050, MedGen C4015513, MONDO:0014532, OMIM 616209.
Lower motor neuron syndrome with late-adult onset (SMAJ). Also called: Spinal muscular atrophy, Jokela type; Late-Onset Spinal Motor Neuronopathy (SMAJ). Identifiers: Orphanet 276435, MedGen C3554398, MONDO:0014025, OMIM 615048.
Frontotemporal dementia and/or amyotrophic lateral sclerosis 2. Also called: FTDALS2. Identifiers: Orphanet 275872, MedGen C4014648, MONDO:0014395, OMIM 615911.

Allele frequency attached by ClinVar (database versions not stated): ExAC below 0.00001; 1000 Genomes Project 30x 0.01624; gnomAD exomes 0.00030; gnomAD 0.01558 and 0.01450; 1000 Genomes Project 0.01378; TOPMed 0.01670.
gnomAD v4.1: 3,768 of 1,162,580 alleles (0.32%); highest among the groups gnomAD compares: African/African-American, 5%; 120 homozygotes.

Submissions (9):

Labcorp Genetics (formerly Invitae), Labcorp
Classification: Benign for Lower motor neuron syndrome with late-adult onset; Frontotemporal dementia and/or amyotrophic lateral sclerosis 2; Autosomal dominant mitochondrial myopathy with exercise intolerance. Last evaluated: 2026-02-04. Review status: criteria provided, single submitter. Criteria: Invitae Variant Classification Sherloc (09022015). Collection method: clinical testing. Allele origin: germline.

Mayo Clinic Laboratories, Mayo Clinic
Classification: Benign. Last evaluated: 2023-01-31. Review status: criteria provided, single submitter. Criteria: ACMG Guidelines, 2015. Collection method: clinical testing. Allele origin: germline. Observed: 24 variant alleles.
Comment: BS1, BS2, BP4, BP7

GeneDx
Classification: Benign. Last evaluated: 2020-01-03. Review status: criteria provided, single submitter. Criteria: GeneDx Variant Classification Process June 2021. Collection method: clinical testing. Allele origin: germline. Affected: yes.

Breakthrough Genomics
Classification: Benign. Review status: criteria provided, single submitter. Criteria: ACMG Guidelines, 2015. Collection method: not provided. Allele origin: germline. Inheritance: Autosomal dominant inheritance. Affected: yes.

Dr. Peter K. Rogan Lab, Western University
No classification provided (evidence only). Condition: Malignant tumor of esophagus. Review status: no classification provided. Collection method: in vitro. Allele origin: not applicable. Functional consequence: skipped exon, retained intron. Not counted in ClinVar's aggregate classification.

Dr. Peter K. Rogan Lab, Western University
No classification provided (evidence only). Condition: Uterine corpus endometrial carcinoma. Review status: no classification provided. Collection method: in vitro. Allele origin: not applicable. Functional consequence: retained intron. Not counted in ClinVar's aggregate classification.

Dr. Peter K. Rogan Lab, Western University
No classification provided (evidence only). Condition: Uterine corpus endometrial carcinoma. Review status: no classification provided. Collection method: in vitro. Allele origin: not applicable. Functional consequence: skipped exon, retained intron. Not counted in ClinVar's aggregate classification.

Dr. Peter K. Rogan Lab, Western University
No classification provided (evidence only). Condition: Ovarian serous cystadenocarcinoma. Review status: no classification provided. Collection method: in vitro. Allele origin: not applicable. Functional consequence: retained intron. Not counted in ClinVar's aggregate classification.

Dr. Peter K. Rogan Lab, Western University
No classification provided (evidence only). Condition: Ovarian serous cystadenocarcinoma. Review status: no classification provided. Collection method: in vitro. Allele origin: not applicable. Functional consequence: retained intron. Not counted in ClinVar's aggregate classification.

NM_213720.3(CHCHD10):c.42-7C>G

Gene: CHCHD10 (coiled-coil-helix-coiled-coil-helix domain containing 10; minus strand). Cytogenetic location: 22q11.23.
Variant type: single nucleotide variant.
Coding change: c.42-7C>G on transcript NM_213720.3 (MANE Select); 7 bases into the intron before coding-DNA position 42, C replaced by G.
Molecular consequence: intron variant.
Genome position (GRCh38, 1-based): chr22:23,767,600, G>C on the plus strand (C>G on the coding strand, the complement: CHCHD10 is on the minus strand). VCF-style: chr22-23767600-G-C. GRCh37 (hg19) VCF-style: chr22-24109787-G-C.
Other names: p.?; c.42-7C>G (NM_001301339.2).
Identifiers: ClinVar variation 473429 (VCV000473429.18), dbSNP rs567239313, ClinGen allele CA10145319.